The following is an entry in ClinVar:

NM_002294.3(LAMP2):c.212C>T (p.Thr71Ile)

Gene: LAMP2 (lysosome associated membrane protein 2; minus strand). Cytogenetic location: Xq24.
Variant type: single nucleotide variant.
Coding change: c.212C>T on transcript NM_002294.3 (MANE Select); coding-DNA position 212, C replaced by T.
Protein change: p.Thr71Ile; replaces threonine 71 with isoleucine.
Molecular consequence: missense variant.
Genome position (GRCh38, 1-based): chrX:120,455,542, G>A on the plus strand (C>T on the coding strand, the complement: LAMP2 is on the minus strand). VCF-style: chrX-120455542-G-A. GRCh37 (hg19) VCF-style: chrX-119589397-G-A.
Other names: c.212C>T, p.Thr71Ile (NM_001122606.1, NM_013995.2); short protein forms T71I.
Identifiers: ClinVar variation 1963860 (VCV001963860.5), dbSNP rs2520908353, ClinGen allele CA414403475.

ClinVar aggregate classification (germline): Uncertain significance (1 of 4 stars; one submission).

Conditions:
Danon disease. Also called: ANTOPOL DISEASE; PSEUDOGLYCOGENOSIS II; Glycogen Storage Disease Type IIb; GSD IIb; LYSOSOMAL GLYCOGEN STORAGE DISEASE WITHOUT ACID MALTASE DEFICIENCY. Identifiers: Orphanet 34587, MedGen C0878677, MONDO:0010281, OMIM 300257.

Allele frequency attached by ClinVar (database versions not stated): gnomAD exomes below 0.00001.
gnomAD v4.1: 1 of 1,208,635 alleles (0.000083%); highest among the groups gnomAD compares: Non-Finnish European, 0.00011%; no homozygotes.

Submission:

Labcorp Genetics (formerly Invitae), Labcorp
Classification: Uncertain significance for Danon disease. Last evaluated: 2022-05-18. Review status: criteria provided, single submitter. Criteria: Invitae Variant Classification Sherloc (09022015). Collection method: clinical testing. Allele origin: germline.
Comment: In summary, the available evidence is currently insufficient to determine the role of this variant in disease. Therefore, it has been classified as a Variant of Uncertain Significance. Algorithms developed to predict the effect of missense changes on protein structure and function (SIFT, PolyPhen-2, Align-GVGD) all suggest that this variant is likely to be tolerated. This variant has not been reported in the literature in individuals affected with LAMP2-related conditions. This variant is not present in population databases (gnomAD no frequency). This sequence change replaces threonine, which is neutral and polar, with isoleucine, which is neutral and non-polar, at codon 71 of the LAMP2 protein (p.Thr71Ile).